The following is an entry in ClinVar:

NM_002397.5(MEF2C):c.106A>G (p.Ser36Gly)

Gene: MEF2C (myocyte enhancer factor 2C; minus strand). Cytogenetic location: 5q14.3.
Variant type: single nucleotide variant.
Coding change: c.106A>G on transcript NM_002397.5 (MANE Select); coding-DNA position 106, A replaced by G.
Protein change: p.Ser36Gly; replaces serine 36 with glycine.
Molecular consequence: missense variant.
Genome position (GRCh38, 1-based): chr5:88,804,750, T>C on the plus strand (A>G on the coding strand, the complement: MEF2C is on the minus strand). VCF-style: chr5-88804750-T-C. GRCh37 (hg19) VCF-style: chr5-88100567-T-C.
Other names: c.106A>G, p.Ser36Gly (NM_001131005.2, NM_001193347.1, NM_001193348.1 and 29 more transcripts); short protein forms S36G.
Identifiers: ClinVar variation 1208319 (VCV001208319.3), dbSNP rs2153074738, ClinGen allele CA360425111.

ClinVar aggregate classification (germline): Likely pathogenic (1 of 4 stars; one submission).

Submission:

GeneDx
Classification: Likely pathogenic. Last evaluated: 2019-11-05. Review status: criteria provided, single submitter. Criteria: GeneDx Variant Classification Process June 2021. Collection method: clinical testing. Allele origin: germline. Affected: yes.
Comment: Has not been previously published as pathogenic or benign to our knowledge; Not observed in large population cohorts (Lek et al., 2016); In silico analysis, which includes protein predictors and evolutionary conservation, supports a deleterious effect